The following is an entry in ClinVar:

ClinVar aggregate classification (germline): Uncertain significance. Review status: criteria provided, multiple submitters, no conflicts (2 of 4 stars). 3 submissions from 3 submitters: Uncertain significance (3). Last evaluated 2025-10-30.

Conditions:
Inborn genetic diseases. Identifiers: MedGen C0950123, MeSH D030342.

Allele frequency attached by ClinVar (database versions not stated): gnomAD 0.00001 and 0.00005; TOPMed 0.00004; gnomAD exomes 0.00006 and 0.00008; ExAC 0.00007; ESP Exome Variant Server 0.00008; 1000 Genomes Project 30x 0.00016; 1000 Genomes Project 0.00020.
gnomAD v4.1: 89 of 1,614,124 alleles (0.0055%); highest among the groups gnomAD compares: South Asian, 0.071%; 1 homozygote.

Submissions (3):

Ambry Genetics
Classification: Uncertain significance for Inborn genetic diseases. Last evaluated: 2025-10-30. Review status: criteria provided, single submitter. Criteria: Ambry Variant Classification Scheme 2023. Collection method: clinical testing. Allele origin: germline.

Labcorp Genetics (formerly Invitae), Labcorp
Classification: Uncertain significance. Last evaluated: 2021-03-26. Review status: criteria provided, single submitter. Criteria: Invitae Variant Classification Sherloc (09022015). Collection method: clinical testing. Allele origin: germline.
Comment: This variant has not been reported in the literature in individuals with TSEN2-related conditions. This variant is present in population databases (rs370222616, ExAC 0.04%). This sequence change replaces isoleucine with valine at codon 25 of the TSEN2 protein (p.Ile25Val). The isoleucine residue is moderately conserved and there is a small physicochemical difference between isoleucine and valine. Algorithms developed to predict the effect of missense changes on protein structure and function output the following: SIFT: "Tolerated"; PolyPhen-2: "Benign"; Align-GVGD: "Class C0". The valine amino acid residue is found in multiple mammalian species, suggesting that this missense change does not adversely affect protein function. These predictions have not been confirmed by published functional studies and their clinical significance is uncertain. In summary, the available evidence is currently insufficient to determine the role of this variant in disease. Therefore, it has been classified as a Variant of Uncertain Significance. Algorithms developed to predict the effect of sequence changes on RNA splicing suggest that this variant may create or strengthen a splice site, but this prediction has not been confirmed by published transcriptional studies.

Blueprint Genetics
Classification: Uncertain significance. Last evaluated: 2020-04-23. Review status: criteria provided, single submitter. Criteria: ACMG Guidelines, 2015. Collection method: clinical testing. Allele origin: germline.

NM_025265.4(TSEN2):c.73A>G (p.Ile25Val)

Gene: TSEN2 (tRNA splicing endonuclease subunit 2; plus strand). Cytogenetic location: 3p25.2.
Variant type: single nucleotide variant.
Coding change: c.73A>G on transcript NM_025265.4 (MANE Select); coding-DNA position 73, A replaced by G.
Protein change: p.Ile25Val; replaces isoleucine 25 with valine.
Molecular consequence: missense variant. On other transcripts: non-coding transcript variant (1).
Genome position (GRCh38, 1-based): chr3:12,489,873, A>G. VCF-style: chr3-12489873-A-G. GRCh37 (hg19) VCF-style: chr3-12531372-A-G.
Other names: c.73A>G (NM_025265.3); c.73A>G, p.Ile25Val (NM_001145392.2, NM_001145393.3, NM_001145394.2 and 3 more transcripts); short protein forms I25V.
Identifiers: ClinVar variation 1448678 (VCV001448678.10), dbSNP rs370222616, ClinGen allele CA2258402.